The following is an entry in ClinVar:

ClinVar aggregate classification (germline): Uncertain significance. Review status: criteria provided, multiple submitters, no conflicts (2 of 4 stars). 2 submissions from 2 submitters: Uncertain significance (2). Last evaluated 2025-08-04.

Conditions:
IFT172-related disorder. Also called: IFT172-related disorders; IFT172-related condition.
Inborn genetic diseases. Identifiers: MedGen C0950123, MeSH D030342.

Allele frequency attached by ClinVar (database versions not stated): TOPMed below 0.00001; gnomAD 0.00001; gnomAD exomes 0.00001; ExAC 0.00002; ESP Exome Variant Server 0.00008.
gnomAD v4.1: 14 of 1,508,916 alleles (0.00093%); highest among the groups gnomAD compares: Non-Finnish European, 0.0011%; no homozygotes.

Submissions (2):

PreventionGenetics, part of Exact Sciences
Classification: Uncertain significance for IFT172-related condition. Last evaluated: 2025-08-04. Review status: criteria provided, single submitter. Criteria: ACMG Guidelines, 2015. Collection method: clinical testing. Allele origin: germline.
Comment: The IFT172 c.4424C>G variant is predicted to result in the amino acid substitution p.Pro1475Arg. To our knowledge, this variant has not been reported in the literature. This variant is reported in 0.0018% of alleles in individuals of European (Non-Finnish) descent in gnomAD. At this time, the clinical significance of this variant is uncertain due to the absence of conclusive functional and genetic evidence.

Ambry Genetics
Classification: Uncertain significance for Inborn genetic diseases. Last evaluated: 2022-06-21. Review status: criteria provided, single submitter. Criteria: Ambry Variant Classification Scheme 2023. Collection method: clinical testing. Allele origin: germline.

NM_015662.3(IFT172):c.4424C>G (p.Pro1475Arg)

Gene: IFT172 (intraflagellar transport 172; minus strand). Cytogenetic location: 2p23.3.
Variant type: single nucleotide variant.
Coding change: c.4424C>G on transcript NM_015662.3 (MANE Select); coding-DNA position 4424, C replaced by G.
Protein change: p.Pro1475Arg; replaces proline 1475 with arginine.
Molecular consequence: missense variant.
Genome position (GRCh38, 1-based): chr2:27,448,919, G>C on the plus strand (C>G on the coding strand, the complement: IFT172 is on the minus strand). VCF-style: chr2-27448919-G-C. GRCh37 (hg19) VCF-style: chr2-27671786-G-C.
Other names: c.4358C>G, p.Pro1453Arg (NM_001410739.1); c.4424C>G (NM_015662.2); short protein forms P1453R, P1475R.
Identifiers: ClinVar variation 2293340 (VCV002293340.3), dbSNP rs138264780, ClinGen allele CA1579619.